The following is an entry in ClinVar:

ClinVar aggregate classification (germline): Uncertain significance (1 of 4 stars; one submission).

Conditions:
Intellectual developmental disorder, X-linked 111 (XLID111). Identifiers: MedGen C5829568, MONDO:0957203, OMIM 301107.

Submission:

Laboratorio de Genetica e Diagnostico Molecular, Hospital Israelita Albert Einstein
Classification: Uncertain significance for Intellectual developmental disorder, X-linked 111. Last evaluated: 2024-07-23. Review status: criteria provided, single submitter. Criteria: ACMG Guidelines, 2015. Collection method: clinical testing. Allele origin: germline. Affected: yes.
Comment: ACMG classification criteria: PM2 supporting

NM_032539.5(SLITRK2):c.1111C>T (p.Gln371Ter)

Gene: SLITRK2 (SLIT and NTRK like family member 2; plus strand). Cytogenetic location: Xq27.3.
Variant type: single nucleotide variant.
Coding change: c.1111C>T on transcript NM_032539.5 (MANE Select); coding-DNA position 1111, C replaced by T.
Protein change: p.Gln371Ter; replaces glutamine 371 with a stop codon.
Molecular consequence: nonsense.
Genome position (GRCh38, 1-based): chrX:145,823,536, C>T. VCF-style: chrX-145823536-C-T. GRCh37 (hg19) VCF-style: chrX-144905054-C-T.
Other names: c.1111C>T, p.Gln371Ter (NM_001144003.3, NM_001144004.3, NM_001144005.3 and 4 more transcripts); short protein forms Q371*.
Identifiers: ClinVar variation 4076183 (VCV004076183.1).
Genomic context (GRCh38, chrX:145,823,536, plus strand): 5'-TCAGACAATGGTCTGAATGTAAACTGCCAAGAAAGGAAGTTCACTAATATCTCTGACCTG[C>T]AGCCCAAACCGACCAGTCCAAAGAAACTCTACCTAACAGGGAACTATCTTCAAACTGTCT-3'